The following is an entry in ClinVar:

ClinVar aggregate classification (germline): Uncertain significance. Review status: criteria provided, multiple submitters, no conflicts (2 of 4 stars). 2 submissions from 2 submitters: Uncertain significance (2). Last evaluated 2025-06-18.

Conditions:
Inborn genetic diseases. Identifiers: MedGen C0950123, MeSH D030342.
Beta-D-mannosidosis (MANSB). Also called: Beta-Mannosidosis; MANNOSIDOSIS, BETA A, LYSOSOMAL; BETA-MANNOSIDASE DEFICIENCY; LYSOSOMAL BETA-MANNOSIDASE DEFICIENCY. Identifiers: Orphanet 118, MedGen C4048196, MONDO:0009562, OMIM 248510.

Allele frequency attached by ClinVar (database versions not stated): gnomAD exomes 0.00001; gnomAD 0.00004; TOPMed 0.00007; ExAC 0.00005.
gnomAD v4.1: 16 of 1,612,496 alleles (0.00099%); highest among the groups gnomAD compares: African/African-American, 0.013%; no homozygotes.

Submissions (2):

Ambry Genetics
Classification: Uncertain significance for Inborn genetic diseases. Last evaluated: 2025-06-18. Review status: criteria provided, single submitter. Criteria: Ambry Variant Classification Scheme 2023. Collection method: clinical testing. Allele origin: germline.

Labcorp Genetics (formerly Invitae), Labcorp
Classification: Uncertain significance for Beta-D-mannosidosis. Last evaluated: 2022-08-03. Review status: criteria provided, single submitter. Criteria: Invitae Variant Classification Sherloc (09022015). Collection method: clinical testing. Allele origin: germline.
Comment: This sequence change replaces glycine, which is neutral and non-polar, with tryptophan, which is neutral and slightly polar, at codon 271 of the MANBA protein (p.Gly271Trp). This variant is present in population databases (rs772435254, gnomAD 0.03%). This variant has not been reported in the literature in individuals affected with MANBA-related conditions. Algorithms developed to predict the effect of missense changes on protein structure and function are either unavailable or do not agree on the potential impact of this missense change (SIFT: "Tolerated"; PolyPhen-2: "Possibly Damaging"; Align-GVGD: "Class C0"). In summary, the available evidence is currently insufficient to determine the role of this variant in disease. Therefore, it has been classified as a Variant of Uncertain Significance.

NM_005908.4(MANBA):c.811G>T (p.Gly271Trp)

Gene: MANBA (mannosidase beta; minus strand). Cytogenetic location: 4q24.
Variant type: single nucleotide variant.
Coding change: c.811G>T on transcript NM_005908.4 (MANE Select); coding-DNA position 811, G replaced by T.
Protein change: p.Gly271Trp; replaces glycine 271 with tryptophan.
Molecular consequence: missense variant.
Genome position (GRCh38, 1-based): chr4:102,690,634, C>A on the plus strand (G>T on the coding strand, the complement: MANBA is on the minus strand). VCF-style: chr4-102690634-C-A. GRCh37 (hg19) VCF-style: chr4-103611791-C-A.
Other names: c.811G>T (NM_005908.3); short protein forms G271W.
Identifiers: ClinVar variation 2142093 (VCV002142093.2), dbSNP rs772435254, ClinGen allele CA3027099.